The following is an entry in ClinVar:

NM_021625.5(TRPV4):c.2213C>T (p.Ala738Val)

Gene: TRPV4 (transient receptor potential cation channel subfamily V member 4; minus strand). Cytogenetic location: 12q24.11.
Variant type: single nucleotide variant.
Coding change: c.2213C>T on transcript NM_021625.5 (MANE Select); coding-DNA position 2213, C replaced by T.
Protein change: p.Ala738Val; replaces alanine 738 with valine.
Molecular consequence: missense variant.
Genome position (GRCh38, 1-based): chr12:109,786,833, G>A on the plus strand (C>T on the coding strand, the complement: TRPV4 is on the minus strand). VCF-style: chr12-109786833-G-A. GRCh37 (hg19) VCF-style: chr12-110224638-G-A.
Other names: c.2072C>T, p.Ala691Val (NM_001177428.2); c.2111C>T, p.Ala704Val (NM_001177431.2); c.1892C>T, p.Ala631Val (NM_001177433.2); c.2033C>T, p.Ala678Val (NM_147204.3); short protein forms A631V, A691V, A738V, A704V, A678V.
Identifiers: ClinVar variation 2839814 (VCV002839814.3), dbSNP rs2548714302, ClinGen allele CA386649654.
Genomic context (GRCh38, chr12:109,786,833, plus strand): 5'-GAGCGGAAGGCCTTCCTCAGGAATACGGGGAAGGAGCGCTCAATGTCCAGGATGGTGGTG[G>A]CCCACTGCGGGGAGGGAGGGTCAGGAGGGACATCGGTGAGCCTCACAGCCTGCGCCTGCC-3'
Protein context (NP_067638.3, residues 728-748): ESKHIWKLQW[Ala738Val]TTILDIERSF

ClinVar aggregate classification (germline): Uncertain significance (1 of 4 stars; one submission).

Conditions:
Charcot-Marie-Tooth disease axonal type 2C (HMSN2C). Also called: CHARCOT-MARIE-TOOTH DISEASE, AXONAL, AUTOSOMAL DOMINANT, TYPE 2C; Charcot-Marie-Tooth Neuropathy Type 2C; Charcot-Marie-Tooth Disease Type 2, TRPV4-Related (CMT2C). Identifiers: Orphanet 99937, MedGen C1853710, MONDO:0011633, OMIM 606071.

Submission:

Labcorp Genetics (formerly Invitae), Labcorp
Classification: Uncertain significance for Charcot-Marie-Tooth disease axonal type 2C. Last evaluated: 2023-02-25. Review status: criteria provided, single submitter. Criteria: Invitae Variant Classification Sherloc (09022015). Collection method: clinical testing. Allele origin: germline.
Comment: This sequence change replaces alanine, which is neutral and non-polar, with valine, which is neutral and non-polar, at codon 738 of the TRPV4 protein (p.Ala738Val). In summary, the available evidence is currently insufficient to determine the role of this variant in disease. Therefore, it has been classified as a Variant of Uncertain Significance. Advanced modeling of protein sequence and biophysical properties (such as structural, functional, and spatial information, amino acid conservation, physicochemical variation, residue mobility, and thermodynamic stability) has been performed at Invitae for this missense variant, however the output from this modeling did not meet the statistical confidence thresholds required to predict the impact of this variant on TRPV4 protein function. This variant has not been reported in the literature in individuals affected with TRPV4-related conditions. This variant is not present in population databases (gnomAD no frequency).